The following is an entry in ClinVar:

NM_032217.5(ANKRD17):c.7729A>C (p.Thr2577Pro)

Gene: ANKRD17 (ankyrin repeat domain 17; minus strand). Cytogenetic location: 4q13.3.
Variant type: single nucleotide variant.
Coding change: c.7729A>C on transcript NM_032217.5 (MANE Select); coding-DNA position 7729, A replaced by C.
Protein change: p.Thr2577Pro; replaces threonine 2577 with proline.
Molecular consequence: missense variant.
Genome position (GRCh38, 1-based): chr4:73,076,963, T>G on the plus strand (A>C on the coding strand, the complement: ANKRD17 is on the minus strand). VCF-style: chr4-73076963-T-G. GRCh37 (hg19) VCF-style: chr4-73942680-T-G.
Other names: c.7729A>C (NM_032217.3); c.7390A>C, p.Thr2464Pro (NM_001286771.3); c.7726A>C, p.Thr2576Pro (NM_015574.2); c.6976A>C, p.Thr2326Pro (NM_198889.3); short protein forms T2326P, T2464P, T2576P, T2577P.
Identifiers: ClinVar variation 1805225 (VCV001805225.3), dbSNP rs140843867, ClinGen allele CA2957740.

ClinVar aggregate classification (germline): Uncertain significance. Review status: criteria provided, multiple submitters, no conflicts (2 of 4 stars). 2 submissions from 2 submitters: Uncertain significance (2). Last evaluated 2023-08-10.

Conditions:
Chopra-Amiel-Gordon syndrome (CAGS). Also called: ANKRD17-Related Neurodevelopmental Syndrome. Identifiers: MedGen C5561975, MONDO:0859186, OMIM 619504.
Inborn genetic diseases. Identifiers: MedGen C0950123, MeSH D030342.

Allele frequency attached by ClinVar (database versions not stated): gnomAD 0.00001; gnomAD exomes 0.00001; ExAC 0.00002; TOPMed 0.00003; ESP Exome Variant Server 0.00008.
gnomAD v4.1: 24 of 1,611,458 alleles (0.0015%); highest among the groups gnomAD compares: Admixed American, 0.0017%; no homozygotes.

Submissions (2):

Ambry Genetics
Classification: Uncertain significance for Inborn genetic diseases. Last evaluated: 2023-08-10. Review status: criteria provided, single submitter. Criteria: Ambry Variant Classification Scheme 2023. Collection method: clinical testing. Allele origin: germline.

Victorian Clinical Genetics Services, Murdoch Childrens Research Institute
Classification: Uncertain significance for Chopra-Amiel-Gordon syndrome. Last evaluated: 2022-02-02. Review status: criteria provided, single submitter. Criteria: ACMG Guidelines, 2015. Collection method: clinical testing. Allele origin: germline. Inheritance: Autosomal dominant inheritance. Affected: yes.
Comment: Based on the classification scheme VCGS_Germline_v1.3.4, this variant is classified as VUS-3C. Following criteria are met: 0102 - Loss of function is a known mechanism of disease in this gene and is associated with Chopra-Amiel-Gordon syndrome (MIM#619504). (I) 0107 - This gene is associated with autosomal dominant disease. (I) 0200 - Variant is predicted to result in a missense amino acid change from threonine to proline. (I) 0251 - This variant is heterozygous. (I) 0302 - Variant is present in gnomAD (v2) <0.001 for a dominant condition (4 heterozygotes). (SP) 0502 - Missense variant with conflicting in silico predictions and uninformative conservation. (I) 0604 - Variant is not located in an established domain, motif, hotspot or informative constraint region. (I) 0705 - No comparable missense variants have previous evidence for pathogenicity. (I) 0807 - This variant has no previous evidence of pathogenicity. (I) 0905 - No published segregation evidence has been identified for this variant. (I) 1007 - No published functional evidence has been identified for this variant. (I) 1208 - Inheritance information for this variant is not currently available in this individual. (I) Legend: (SP) - Supporting pathogenic, (I) - Information, (SB) - Supporting benign